The following is an entry in ClinVar:

NM_016151.4(TAOK2):c.182A>G (p.Tyr61Cys)

Gene: TAOK2 (TAO kinase 2; plus strand). Cytogenetic location: 16p11.2.
Variant type: single nucleotide variant.
Coding change: c.182A>G on transcript NM_016151.4 (MANE Select); coding-DNA position 182, A replaced by G.
Protein change: p.Tyr61Cys; replaces tyrosine 61 with cysteine.
Molecular consequence: missense variant.
Genome position (GRCh38, 1-based): chr16:29,978,138, A>G. VCF-style: chr16-29978138-A-G. GRCh37 (hg19) VCF-style: chr16-29989459-A-G.
Other names: c.182A>G, p.Tyr61Cys (NM_001252043.2, NM_004783.4); short protein forms Y61C.
Identifiers: ClinVar variation 3627314 (VCV003627314.2).

ClinVar aggregate classification (germline): Uncertain significance (1 of 4 stars; one submission).

gnomAD v4.1: 4 of 1,614,074 alleles (0.00025%); highest among the groups gnomAD compares: Non-Finnish European, 0.00025%; no homozygotes.

Submission:

Labcorp Genetics (formerly Invitae), Labcorp
Classification: Uncertain significance. Last evaluated: 2024-03-16. Review status: criteria provided, single submitter. Criteria: Invitae Variant Classification Sherloc (09022015). Collection method: clinical testing. Allele origin: germline.
Comment: This sequence change replaces tyrosine, which is neutral and polar, with cysteine, which is neutral and slightly polar, at codon 61 of the TAOK2 protein (p.Tyr61Cys). This variant is not present in population databases (gnomAD no frequency). This variant has not been reported in the literature in individuals affected with TAOK2-related conditions. An algorithm developed to predict the effect of missense changes on protein structure and function (PolyPhen-2) suggests that this variant is likely to be disruptive. In summary, the available evidence is currently insufficient to determine the role of this variant in disease. Therefore, it has been classified as a Variant of Uncertain Significance.